The following is an entry in ClinVar:

ClinVar aggregate classification (germline): Benign (0 of 4 stars; one submission).

Conditions:
MYOM2-related disorder. Also called: MYOM2-related condition.

Allele frequency attached by ClinVar (database versions not stated): 1000 Genomes Project 30x 0.27420; 1000 Genomes Project 0.27995; TOPMed 0.31117; ESP Exome Variant Server 0.31601.
gnomAD v4.1: 639,321 of 1,602,956 alleles (40%); highest among the groups gnomAD compares: Middle Eastern, 46%; 132,493 homozygotes.

Submission:

PreventionGenetics, part of Exact Sciences
Classification: Benign for MYOM2-related condition. Last evaluated: 2019-10-17. Review status: no assertion criteria provided. Collection method: clinical testing. Allele origin: germline.
Comment: This variant is classified as benign based on ACMG/AMP sequence variant interpretation guidelines (Richards et al. 2015 PMID: 25741868, with internal and published modifications).

NM_003970.4(MYOM2):c.961G>T (p.Val321Leu)

Gene: MYOM2 (myomesin 2; plus strand). Cytogenetic location: 8p23.3.
Variant type: single nucleotide variant.
Coding change: c.961G>T on transcript NM_003970.4 (MANE Select); coding-DNA position 961, G replaced by T.
Protein change: p.Val321Leu; replaces valine 321 with leucine.
Molecular consequence: missense variant.
Genome position (GRCh38, 1-based): chr8:2,073,341, G>T. VCF-style: chr8-2073341-G-T. GRCh37 (hg19) VCF-style: chr8-2021421-G-T.
Other names: short protein forms V321L.
Identifiers: ClinVar variation 3060470 (VCV003060470.2), dbSNP rs2272720, ClinGen allele CA170448261.
Genomic context (GRCh38, chr8:2,073,341, plus strand): 5'-TTTCTTTGCCTGCTGGGGTGATTTTGGATGCAAACCTTCCGTGTTAACGCTCTTTCAGAC[G>T]TGCTGTTGAAAGAGTCCAAGTGGACGAAGATGTTCTTTGGAGAAGGCCAGGCCTCCCTGT-3'
Protein context (NP_003961.3, residues 311-331): QPRAEWYRDD[Val321Leu]LLKESKWTKM